The following is an entry in ClinVar:

NM_198129.4(LAMA3):c.4998+1367G>A

Genes: LAMA3 (laminin subunit alpha 3; plus strand), LOC126862707 (MED14-independent group 3 enhancer GRCh37_chr18:21452354-21453553; plus strand). Cytogenetic location: 18q11.2.
Variant type: single nucleotide variant.
Coding change: c.4998+1367G>A on transcript NM_198129.4 (MANE Select); 1367 bases into the intron after coding-DNA position 4998, G replaced by A.
Molecular consequence: intron variant. On other transcripts: 5 prime UTR variant (2).
Genome position (GRCh38, 1-based): chr18:23,873,028, G>A. VCF-style: chr18-23873028-G-A. GRCh37 (hg19) VCF-style: chr18-21452992-G-A.
Other names: c.-17G>A (NM_000227.6, NM_001127718.4); c.4998+1367G>A (NM_001127717.4).
Identifiers: ClinVar variation 890251 (VCV000890251.5), dbSNP rs199639611, ClinGen allele CA8915803.

ClinVar aggregate classification (germline): Likely benign. Review status: criteria provided, multiple submitters, no conflicts (2 of 4 stars). 3 submissions from 2 submitters: Likely benign (3). Last evaluated 2018-01-13.

Conditions:
Junctional epidermolysis bullosa gravis of Herlitz. Also called: JEB-HERLITZ TYPE; EPIDERMOLYSIS BULLOSA JUNCTIONALIS, HERLITZ TYPE; EPIDERMOLYSIS BULLOSA, JUNCTIONAL, HERLITZ-PEARSON TYPE; Herlitz-type junctional epidermolysis bullosa; EPIDERMOLYSIS BULLOSA, JUNCTIONAL 1B, SEVERE; Epidermolysis Bullosa Letalis. Identifiers: Orphanet 79404, MedGen C0079683, MONDO:0009182, OMIM 226700.
Laryngo-onycho-cutaneous syndrome (JEB2C). Also called: LOGIC SYNDROME; EPIDERMOLYSIS BULLOSA, JUNCTIONAL 2C, LARYNGOONYCHOCUTANEOUS; SHABBIR SYNDROME. Identifiers: Orphanet 2407, MedGen C1328355, MONDO:0009513, OMIM 245660.

Allele frequency attached by ClinVar (database versions not stated): gnomAD 0.00192 and 0.00199; TOPMed 0.00211; gnomAD exomes 0.00235; 1000 Genomes Project 0.00260; ExAC 0.00268; 1000 Genomes Project 30x 0.00281; ESP Exome Variant Server 0.00284.
gnomAD v4.1: 4,755 of 1,614,136 alleles (0.29%); highest among the groups gnomAD compares: South Asian, 0.4%; 21 homozygotes.

Submissions (3):

Illumina Laboratory Services, Illumina
Classification: Likely benign for Laryngo-onycho-cutaneous syndrome. Last evaluated: 2018-01-13. Review status: criteria provided, single submitter. Criteria: ICSL Variant Classification Criteria 13 December 2019. Collection method: clinical testing. Allele origin: germline.
Comment: This variant was observed in the ICSL laboratory as part of a predisposition screen in an ostensibly healthy population. It had not been previously curated by ICSL or reported in the Human Gene Mutation Database (HGMD: prior to June 1st, 2018), and was therefore a candidate for classification through an automated scoring system. Utilizing variant allele frequency, disease prevalence and penetrance estimates, and inheritance mode, an automated score was calculated to assess if this variant is too frequent to cause the disease. Based on the score and internal cut-off values, a variant classified as likely benign is not then subjected to further curation. The score for this variant resulted in a classification of likely benign for this disease.

Illumina Laboratory Services, Illumina
Classification: Likely benign for Junctional epidermolysis bullosa gravis of Herlitz. Last evaluated: 2018-01-13. Review status: criteria provided, single submitter. Criteria: ICSL Variant Classification Criteria 13 December 2019. Collection method: clinical testing. Allele origin: germline.
Comment: the same text as in the submission from Illumina Laboratory Services, Illumina above.

Breakthrough Genomics
Classification: Likely benign. Review status: criteria provided, single submitter. Criteria: ACMG Guidelines, 2015. Collection method: not provided. Allele origin: germline. Inheritance: Autosomal recessive inheritance. Affected: yes.